The following is an entry in ClinVar:

NM_153682.3(PIGP):c.182A>G (p.Tyr61Cys)

Gene: PIGP (phosphatidylinositol glycan anchor biosynthesis class P; minus strand). Cytogenetic location: 21q22.13.
Variant type: single nucleotide variant.
Coding change: c.182A>G on transcript NM_153682.3 (MANE Select); coding-DNA position 182, A replaced by G.
Protein change: p.Tyr61Cys; replaces tyrosine 61 with cysteine.
Molecular consequence: missense variant.
Genome position (GRCh38, 1-based): chr21:37,067,354, T>C on the plus strand (A>G on the coding strand, the complement: PIGP is on the minus strand). VCF-style: chr21-37067354-T-C. GRCh37 (hg19) VCF-style: chr21-38439654-T-C.
Other names: c.182A>G, p.Tyr61Cys (NM_001320480.2); c.104A>G, p.Tyr35Cys (NM_016430.4); c.254A>G, p.Tyr85Cys (NM_153681.2); short protein forms Y61C, Y35C, Y85C.
Identifiers: ClinVar variation 1970679 (VCV001970679.5), dbSNP rs1397280415, ClinGen allele CA409919577.

ClinVar aggregate classification (germline): Uncertain significance (1 of 4 stars; one submission).

Allele frequency attached by ClinVar (database versions not stated): gnomAD exomes below 0.00001; gnomAD 0.00001; TOPMed 0.00001.
gnomAD v4.1: 3 of 1,607,644 alleles (0.00019%); highest among the groups gnomAD compares: African/African-American, 0.0027%; no homozygotes.

Submission:

Labcorp Genetics (formerly Invitae), Labcorp
Classification: Uncertain significance. Last evaluated: 2022-02-10. Review status: criteria provided, single submitter. Criteria: Invitae Variant Classification Sherloc (09022015). Collection method: clinical testing. Allele origin: germline.
Comment: In summary, the available evidence is currently insufficient to determine the role of this variant in disease. Therefore, it has been classified as a Variant of Uncertain Significance. Algorithms developed to predict the effect of missense changes on protein structure and function (SIFT, PolyPhen-2, Align-GVGD) all suggest that this variant is likely to be disruptive. This variant has not been reported in the literature in individuals affected with PIGP-related conditions. This variant is not present in population databases (gnomAD no frequency). This sequence change replaces tyrosine, which is neutral and polar, with cysteine, which is neutral and slightly polar, at codon 85 of the PIGP protein (p.Tyr85Cys).